The following is an entry in ClinVar:

ClinVar aggregate classification (germline): Likely benign (1 of 4 stars; one submission).

Submission:

CeGaT Center for Human Genetics Tuebingen
Classification: Likely benign. Last evaluated: 2026-02-01. Review status: criteria provided, single submitter. Criteria: CeGaT Center For Human Genetics Tuebingen Variant Classification Criteria Version 2. Collection method: clinical testing. Allele origin: germline. Affected: yes. Observed: 1 variant allele.
Comment: FANCE: PM2:Supporting, BP4, BP7

NM_021922.3(FANCE):c.336T>C (p.Ser112=)

Gene: FANCE (FA complementation group E; plus strand). Cytogenetic location: 6p21.31.
Variant type: single nucleotide variant.
Coding change: c.336T>C on transcript NM_021922.3 (MANE Select); coding-DNA position 336, T replaced by C.
Protein change: p.Ser112=; no amino-acid change (serine 112 retained).
Molecular consequence: synonymous variant.
Genome position (GRCh38, 1-based): chr6:35,455,834, T>C. VCF-style: chr6-35455834-T-C. GRCh37 (hg19) VCF-style: chr6-35423611-T-C.
Other names: c.336T>C, p.Ser112= (NM_001410876.1).
Identifiers: ClinVar variation 4822411 (VCV004822411.4).
Genomic context (GRCh38, chr6:35,455,834, plus strand): 5'-GATATGCCAGAGGAACCTGATGTCCCTGCTGATGGCCGTTCGGCCATCGCTGCCGGAAAG[T>C]GGGCTCCTCTCTGTGCTGCAGATTGCCCAGCAGGACCTAGCCCCTGACCCAGATGCCTGG-3'
Protein context (NP_068741.1, residues 102-122): LMAVRPSLPE[Ser112=]GLLSVLQIAQ